The following is an entry in ClinVar:

ClinVar aggregate classification (germline): Uncertain significance. Review status: criteria provided, multiple submitters, no conflicts (2 of 4 stars). 2 submissions from 2 submitters: Uncertain significance (2). Last evaluated 2025-10-08.

Allele frequency attached by ClinVar (database versions not stated): ExAC 0.00002; gnomAD 0.00002 and 0.00004; gnomAD exomes 0.00002; TOPMed 0.00003.
gnomAD v4.1: 52 of 1,612,338 alleles (0.0032%); highest among the groups gnomAD compares: African/African-American, 0.0093%; no homozygotes.

Submissions (2):

Labcorp Genetics (formerly Invitae), Labcorp
Classification: Uncertain significance. Last evaluated: 2025-10-08. Review status: criteria provided, single submitter. Criteria: Invitae Variant Classification Sherloc (09022015). Collection method: clinical testing. Allele origin: germline.
Comment: This sequence change replaces alanine, which is neutral and non-polar, with valine, which is neutral and non-polar, at codon 516 of the MKL1 protein (p.Ala516Val). This variant is present in population databases (rs762204984, gnomAD 0.004%). This variant has not been reported in the literature in individuals affected with MKL1-related conditions. ClinVar contains an entry for this variant (Variation ID: 1683031). An algorithm developed to predict the effect of missense changes on protein structure and function outputs the following: PolyPhen-2: "Benign". The valine amino acid residue is found in multiple mammalian species, which suggests that this missense change does not adversely affect protein function. In summary, the available evidence is currently insufficient to determine the role of this variant in disease. Therefore, it has been classified as a Variant of Uncertain Significance.

Ambry Genetics
Classification: Uncertain significance. Last evaluated: 2024-10-16. Review status: criteria provided, single submitter. Criteria: Ambry Variant Classification Scheme 2023. Collection method: clinical testing. Allele origin: germline.

NM_020831.6(MRTFA):c.1847C>T (p.Ala616Val)

Gene: MRTFA (myocardin related transcription factor A; minus strand). Cytogenetic location: 22q13.1.
Variant type: single nucleotide variant.
Coding change: c.1847C>T on transcript NM_020831.6 (MANE Select); coding-DNA position 1847, C replaced by T.
Protein change: p.Ala616Val; replaces alanine 616 with valine.
Molecular consequence: missense variant.
Genome position (GRCh38, 1-based): chr22:40,418,891, G>A on the plus strand (C>T on the coding strand, the complement: MRTFA is on the minus strand). VCF-style: chr22-40418891-G-A. GRCh37 (hg19) VCF-style: chr22-40814895-G-A.
Other names: c.1547C>T, p.Ala516Val (NM_001282660.2); c.1697C>T, p.Ala566Val (NM_001282661.3); c.1847C>T, p.Ala616Val (NM_001282662.3); c.1652C>T, p.Ala551Val (NM_001318139.2); c.1547C>T (NM_020831.3); short protein forms A516V, A551V, A566V, A616V.
Identifiers: ClinVar variation 1683031 (VCV001683031.7), dbSNP rs762204984, ClinGen allele CA10249520.
Genomic context (GRCh38, chr22:40,418,891, plus strand): 5'-GCCTCGATCTGCTTGTCTTTCTCCTGCAGCATCTGGTCCTTGTCGCGCCCCTCTAGCTCC[G>A]CCCGCCCCCCAGGGCTCAGGCAACAGGACCCGGCCCGGGGGCCCTCCTCCTTCACGAGGA-3'
Protein context (NP_065882.2, residues 606-626): GSCCLSPGGR[Ala616Val]ELEGRDKDQM